The following is an entry in ClinVar:

ClinVar aggregate classification (germline): Uncertain significance. Review status: criteria provided, multiple submitters, no conflicts (2 of 4 stars). 2 submissions from 2 submitters: Uncertain significance (2). Last evaluated 2025-06-13.

Conditions:
Chédiak-Higashi syndrome (CHS). Also called: Chediak-Higashi Syndrome. Identifiers: Orphanet 167, MedGen C0007965, MONDO:0008963, OMIM 214500.

Allele frequency attached by ClinVar (database versions not stated): gnomAD exomes below 0.00001; TOPMed below 0.00001.
gnomAD v4.1: 7 of 1,614,190 alleles (0.00043%); highest among the groups gnomAD compares: Non-Finnish European, 0.00059%; no homozygotes.

Submissions (2):

Women's Health and Genetics/Laboratory Corporation of America, LabCorp
Classification: Uncertain significance. Last evaluated: 2025-06-13. Review status: criteria provided, single submitter. Criteria: LabCorp Variant Classification Summary - May 2015. Collection method: clinical testing. Allele origin: germline.
Comment: Variant summary: LYST c.6727A>G (p.Ile2243Val) results in a conservative amino acid change in the encoded protein sequence. Algorithms developed to predict the effect of missense changes on protein structure and function all suggest that this variant is likely to be tolerated. The variant was absent in 250692 control chromosomes (gnomAD). The available data on variant occurrences in the general population are insufficient to allow any conclusion about variant significance. To our knowledge, no occurrence of c.6727A>G in individuals affected with Chediak-Higashi Syndrome and no experimental evidence demonstrating its impact on protein function have been reported. ClinVar contains an entry for this variant (Variation ID: 1486986). Based on the evidence outlined above, the variant was classified as uncertain significance.

Labcorp Genetics (formerly Invitae), Labcorp
Classification: Uncertain significance for Chédiak-Higashi syndrome. Last evaluated: 2021-09-23. Review status: criteria provided, single submitter. Criteria: Invitae Variant Classification Sherloc (09022015). Collection method: clinical testing. Allele origin: germline.
Comment: This sequence change replaces isoleucine with valine at codon 2243 of the LYST protein (p.Ile2243Val). The isoleucine residue is weakly conserved and there is a small physicochemical difference between isoleucine and valine. This variant is not present in population databases (ExAC no frequency). This variant has not been reported in the literature in individuals affected with LYST-related conditions. Algorithms developed to predict the effect of missense changes on protein structure and function output the following: SIFT: "Tolerated"; PolyPhen-2: "Benign"; Align-GVGD: "Class C0". The valine amino acid residue is found in multiple mammalian species, which suggests that this missense change does not adversely affect protein function. In summary, the available evidence is currently insufficient to determine the role of this variant in disease. Therefore, it has been classified as a Variant of Uncertain Significance.

NM_000081.4(LYST):c.6727A>G (p.Ile2243Val)

Gene: LYST (lysosomal trafficking regulator; minus strand). Cytogenetic location: 1q42.3.
Variant type: single nucleotide variant.
Coding change: c.6727A>G on transcript NM_000081.4 (MANE Select); coding-DNA position 6727, A replaced by G.
Protein change: p.Ile2243Val; replaces isoleucine 2243 with valine.
Molecular consequence: missense variant.
Genome position (GRCh38, 1-based): chr1:235,759,126, T>C on the plus strand (A>G on the coding strand, the complement: LYST is on the minus strand). VCF-style: chr1-235759126-T-C. GRCh37 (hg19) VCF-style: chr1-235922426-T-C.
Other names: c.6727A>G, p.Ile2243Val (NM_001301365.1); short protein forms I2243V.
Identifiers: ClinVar variation 1486986 (VCV001486986.4), dbSNP rs1667328677, ClinGen allele CA344939672.